The following is an entry in ClinVar:

NM_000187.4(HGD):c.346del (p.Leu116fs)

Gene: HGD (homogentisate 1,2-dioxygenase; minus strand). Cytogenetic location: 3q13.33.
Variant type: Deletion.
Coding change: c.346del on transcript NM_000187.4 (MANE Select); coding-DNA position 346, one base deleted (C; older notation c.346delC).
Protein change: p.Leu116fs; shifts the reading frame from leucine 116.
Molecular consequence: frameshift variant.
Genome position (GRCh38, 1-based): chr3:120,650,862, G deleted on the plus strand (C on the coding strand, the reverse complement: HGD is on the minus strand); the first of 2 consecutive G bases (chr3:120,650,862-120,650,863); deleting either gives the same sequence. VCF-style (leftmost placement, unchanged base first): chr3-120650861-AG-A. GRCh37 (hg19) VCF-style: chr3-120369708-AG-A.
Other names: short protein forms L116fs.
Identifiers: ClinVar variation 370977 (VCV000370977.5), dbSNP rs1057516911, ClinGen allele CA16040894.

ClinVar aggregate classification (germline): Pathogenic. Review status: criteria provided, single submitter (1 of 4 stars). 2 submissions from 2 submitters: Pathogenic (1). 1 of the submissions does not count toward it. Last evaluated 2024-02-07.

Conditions:
Alkaptonuria (AKU). Also called: Homogentisic acidura; Alkaptonuric ochronosis; Alcaptonuria; HOMOGENTISIC ACID OXIDASE DEFICIENCY. Identifiers: Orphanet 56, MedGen C0002066, MONDO:0008753, OMIM 203500.

Submissions (2):

Labcorp Genetics (formerly Invitae), Labcorp
Classification: Pathogenic for Alkaptonuria. Last evaluated: 2024-02-07. Review status: criteria provided, single submitter. Criteria: Invitae Variant Classification Sherloc (09022015). Collection method: clinical testing. Allele origin: germline.
Comment: This sequence change creates a premature translational stop signal (p.Leu116Cysfs*10) in the HGD gene. It is expected to result in an absent or disrupted protein product. Loss-of-function variants in HGD are known to be pathogenic (PMID: 12501223, 19862842). This variant is not present in population databases (gnomAD no frequency). This variant has not been reported in the literature in individuals affected with HGD-related conditions. ClinVar contains an entry for this variant (Variation ID: 370977). For these reasons, this variant has been classified as Pathogenic.

Counsyl
Classification: Likely pathogenic for Alkaptonuria. Last evaluated: 2016-05-27. Review status: no assertion criteria provided. Collection method: clinical testing. Allele origin: unknown. Not counted in ClinVar's aggregate classification.

Literature cited by the submitters: PubMed 12501223 (cited by Labcorp Genetics (formerly Invitae), Labcorp); PubMed 19862842 (cited by Labcorp Genetics (formerly Invitae), Labcorp).